The following is an entry in ClinVar:

NM_032444.4(SLX4):c.5384G>A (p.Arg1795His)

Gene: SLX4 (SLX4 structure-specific endonuclease subunit; minus strand). Cytogenetic location: 16p13.3.
Variant type: single nucleotide variant.
Coding change: c.5384G>A on transcript NM_032444.4 (MANE Select); coding-DNA position 5384, G replaced by A.
Protein change: p.Arg1795His; replaces arginine 1795 with histidine.
Molecular consequence: missense variant.
Genome position (GRCh38, 1-based): chr16:3,582,463, C>T on the plus strand (G>A on the coding strand, the complement: SLX4 is on the minus strand). VCF-style: chr16-3582463-C-T. GRCh37 (hg19) VCF-style: chr16-3632464-C-T.
Other names: short protein forms R1795H.
Identifiers: ClinVar variation 850783 (VCV000850783.11), dbSNP rs926700658, ClinGen allele CA276951824.
Genomic context (GRCh38, chr16:3,582,463, plus strand): 5'-CTGCGGGTGGCGGCAGTGGTGAAGGTGATACAGTGGGTGTCCAGGAAGTCCAACAGCCTG[C>T]GCGAGGACACACGGAGGCCGTTCTGCCTCAGCTCTGCCTGCAGCTCCCGCAGCTCAAAGG-3'
Protein context (NP_115820.2, residues 1785-1805): LRQNGLRVSS[Arg1795His]RLLDFLDTHC

ClinVar aggregate classification (germline): Uncertain significance. Review status: criteria provided, multiple submitters, no conflicts (2 of 4 stars). 3 submissions from 3 submitters: Uncertain significance (3). Last evaluated 2025-10-02.

Conditions:
Fanconi anemia complementation group P. Also called: SLX4-Related Fanconi Anemia. Identifiers: Orphanet 84, MedGen C3469542, MONDO:0013499, OMIM 613951.
Fanconi anemia (FA). Also called: Fanconi's anemia. Identifiers: Orphanet 84, MedGen C0015625, MeSH D005199, MONDO:0019391.

Allele frequency attached by ClinVar (database versions not stated): gnomAD 0.00001; TOPMed 0.00001; gnomAD exomes 0.00002.
gnomAD v4.1: 59 of 1,613,896 alleles (0.0037%); highest among the groups gnomAD compares: Non-Finnish European, 0.0047%; no homozygotes.

Submissions (3):

Labcorp Genetics (formerly Invitae), Labcorp
Classification: Uncertain significance for Fanconi anemia. Last evaluated: 2025-10-02. Review status: criteria provided, single submitter. Criteria: Invitae Variant Classification Sherloc (09022015). Collection method: clinical testing. Allele origin: germline.
Comment: This sequence change replaces arginine, which is basic and polar, with histidine, which is basic and polar, at codon 1795 of the SLX4 protein (p.Arg1795His). This variant is present in population databases (no rsID available, gnomAD 0.004%). This variant has not been reported in the literature in individuals affected with SLX4-related conditions. ClinVar contains an entry for this variant (Variation ID: 850783). An algorithm developed to predict the effect of missense changes on protein structure and function (PolyPhen-2) suggests that this variant is likely to be tolerated. In summary, the available evidence is currently insufficient to determine the role of this variant in disease. Therefore, it has been classified as a Variant of Uncertain Significance.

Baylor Genetics
Classification: Uncertain significance for Fanconi anemia complementation group P. Last evaluated: 2021-04-29. Review status: criteria provided, single submitter. Criteria: ACMG Guidelines, 2015. Collection method: clinical testing. Allele origin: unknown. Affected: yes. Study: CSER-TexasKidsCanSeq.
Comment: This variant was determined to be of uncertain significance according to ACMG Guidelines, 2015 [PMID:25741868].

GeneDx
Classification: Uncertain significance. Last evaluated: 2020-03-06. Review status: criteria provided, single submitter. Criteria: GeneDx Variant Classification Process June 2021. Collection method: clinical testing. Allele origin: germline. Affected: yes.
Comment: Not observed at a significant frequency in large population cohorts (Lek 2016); In silico analysis supports that this missense variant does not alter protein structure/function; Has not been previously published as pathogenic or benign to our knowledge